The following is an entry in ClinVar:

ClinVar aggregate classification (germline): Uncertain significance. Review status: criteria provided, multiple submitters, no conflicts (2 of 4 stars). 2 submissions from 2 submitters: Uncertain significance (2). Last evaluated 2025-03-07.

Conditions:
Inborn genetic diseases. Identifiers: MedGen C0950123, MeSH D030342.

Allele frequency attached by ClinVar (database versions not stated): gnomAD 0.00001; gnomAD exomes 0.00001.
gnomAD v4.1: 6 of 1,612,752 alleles (0.00037%); highest among the groups gnomAD compares: South Asian, 0.0055%; 1 homozygote.

Submissions (2):

Ambry Genetics
Classification: Uncertain significance for Inborn genetic diseases. Last evaluated: 2025-03-07. Review status: criteria provided, single submitter. Criteria: Ambry Variant Classification Scheme 2023. Collection method: clinical testing. Allele origin: germline.

Labcorp Genetics (formerly Invitae), Labcorp
Classification: Uncertain significance. Last evaluated: 2022-02-22. Review status: criteria provided, single submitter. Criteria: Invitae Variant Classification Sherloc (09022015). Collection method: clinical testing. Allele origin: germline.
Comment: In summary, the available evidence is currently insufficient to determine the role of this variant in disease. Therefore, it has been classified as a Variant of Uncertain Significance. Algorithms developed to predict the effect of missense changes on protein structure and function (SIFT, PolyPhen-2, Align-GVGD) all suggest that this variant is likely to be tolerated. This variant has not been reported in the literature in individuals affected with MME-related conditions. This variant is not present in population databases (gnomAD no frequency). This sequence change replaces isoleucine, which is neutral and non-polar, with valine, which is neutral and non-polar, at codon 447 of the MME protein (p.Ile447Val).

NM_007289.4(MME):c.1339A>G (p.Ile447Val)

Gene: MME (membrane metalloendopeptidase; plus strand). Cytogenetic location: 3q25.2.
Variant type: single nucleotide variant.
Coding change: c.1339A>G on transcript NM_007289.4 (MANE Select); coding-DNA position 1339, A replaced by G.
Protein change: p.Ile447Val; replaces isoleucine 447 with valine.
Molecular consequence: missense variant.
Genome position (GRCh38, 1-based): chr3:155,144,380, A>G. VCF-style: chr3-155144380-A-G. GRCh37 (hg19) VCF-style: chr3-154862169-A-G.
Other names: c.1339A>G, p.Ile447Val (NM_000902.5, NM_001354642.2, NM_001354643.1 and 2 more transcripts); short protein forms I447V.
Identifiers: ClinVar variation 1945103 (VCV001945103.7), dbSNP rs200680380, ClinGen allele CA85830563.